The following is an entry in ClinVar:

NM_000431.4(MVK):c.277_283del (p.Glu93fs)

Gene: MVK (mevalonate kinase; plus strand). Cytogenetic location: 12q24.11.
Variant type: Deletion.
Coding change: c.277_283del on transcript NM_000431.4 (MANE Select); coding-DNA positions 277 to 283, 7 bases deleted (GAGGTTG; older notation c.277_283delGAGGTTG).
Protein change: p.Glu93fs; shifts the reading frame from glutamic acid 93.
Molecular consequence: frameshift variant.
Genome position (GRCh38, 1-based): chr12:109,579,852-109,579,858, GAGGTTG deleted; deleting any 7 consecutive bases within chr12:109,579,851-109,579,858 gives the same sequence; the c. name uses the placement nearest the transcript's 3' end. VCF-style (leftmost placement, unchanged base first): chr12-109579850-AGGAGGTT-A. GRCh37 (hg19) VCF-style: chr12-110017655-AGGAGGTT-A.
Other names: c.277_283del (LRG_156t1); c.277_283del7 (NM_000431.3); c.277_283del, p.Glu93fs (NM_001114185.3, NM_001301182.2); short protein forms E93fs.
Identifiers: ClinVar variation 97579 (VCV000097579.19), dbSNP rs104895369, ClinGen allele CA149810.

ClinVar aggregate classification (germline): Pathogenic/Likely pathogenic. Review status: criteria provided, multiple submitters, no conflicts (2 of 4 stars). 7 submissions from 7 submitters: Pathogenic (4); Likely pathogenic (2). 1 of the submissions does not count toward it. Last evaluated 2025-12-01.

Conditions:
MVK-related disorder. Also called: MVK-related condition; MVK-related disorders. Identifiers: MedGen CN239294.
Mevalonic aciduria (MEVA). Identifiers: Orphanet 29, MedGen C1959626, MONDO:0012481, OMIM 610377.
Porokeratosis 3, disseminated superficial actinic type (POROK3). Also called: POROKERATOSIS 3, MULTIPLE TYPES; POROKERATOSIS 3, MIBELLI TYPE; POROKERATOSIS, DISSEMINATED SUPERFICIAL ACTINIC, 1. Identifiers: MedGen C1867981, MONDO:0008293, OMIM 175900.
Hyperimmunoglobulin D with periodic fever (HIDS). Also called: Hyperimmunoglobulinemia D with periodic fever; HYPERIMMUNOGLOBULINEMIA D AND PERIODIC FEVER SYNDROME; Hyperimmunoglobulinemia D. Identifiers: Orphanet 343, MedGen C0398691, MONDO:0009849, OMIM 260920.

Submissions (7):

CeGaT Center for Human Genetics Tuebingen
Classification: Pathogenic. Last evaluated: 2025-12-01. Review status: criteria provided, single submitter. Criteria: CeGaT Center For Human Genetics Tuebingen Variant Classification Criteria Version 2. Collection method: clinical testing. Allele origin: germline. Affected: yes. Observed: 1 variant allele.
Comment: MVK: PVS1, PM2

Labcorp Genetics (formerly Invitae), Labcorp
Classification: Pathogenic for Mevalonic aciduria; Hyperimmunoglobulin D with periodic fever; Porokeratosis 3, disseminated superficial actinic type. Last evaluated: 2025-07-13. Review status: criteria provided, single submitter. Criteria: Invitae Variant Classification Sherloc (09022015). Collection method: clinical testing. Allele origin: germline.
Comment: This sequence change creates a premature translational stop signal (p.Glu93Glnfs*38) in the MVK gene. It is expected to result in an absent or disrupted protein product. Loss-of-function variants in MVK are known to be pathogenic (PMID: 16835861, 17105862, 23834120). This variant is not present in population databases (gnomAD no frequency). This premature translational stop signal has been observed in individual(s) with mevalonate kinase deficiency (PMID: 16835861). ClinVar contains an entry for this variant (Variation ID: 97579). Algorithms developed to predict the effect of sequence changes on RNA splicing suggest that this variant may disrupt the consensus splice site. For these reasons, this variant has been classified as Pathogenic.

PreventionGenetics, part of Exact Sciences
Classification: Pathogenic for MVK-related condition. Last evaluated: 2024-11-04. Review status: criteria provided, single submitter. Criteria: ACMG Guidelines, 2015. Collection method: clinical testing. Allele origin: germline.
Comment: The MVK c.277_283del7 variant is predicted to result in a frameshift and premature protein termination (p.Glu93Glnfs*38). This variant has been reported in an individual with Mevalonate kinase deficiency (Mandey et al. 2006. PubMed ID: 16835861). This variant has not been reported in a large population database (gnomAD), indicating this variant is rare. Frameshift variants in MVK are expected to be pathogenic. This variant is interpreted as pathogenic.

Blueprint Genetics
Classification: Likely pathogenic for MVK-related disorders. Last evaluated: 2024-05-20. Review status: criteria provided, single submitter. Criteria: ACMG Guidelines, 2015. Collection method: clinical testing. Allele origin: germline. Affected: yes. Observed: 4 variant alleles.

Fulgent Genetics
Classification: Likely pathogenic for Porokeratosis 3, disseminated superficial actinic type; Hyperimmunoglobulin D with periodic fever; Mevalonic aciduria. Last evaluated: 2024-01-23. Review status: criteria provided, single submitter. Criteria: ACMG Guidelines, 2015. Collection method: clinical testing. Allele origin: germline.

Revvity Omics, Revvity
Classification: Pathogenic. Last evaluated: 2022-06-30. Review status: criteria provided, single submitter. Criteria: ACMG Guidelines, 2015. Collection method: clinical testing. Allele origin: germline.

Unité médicale des maladies autoinflammatoires, CHRU Montpellier
No classification provided. Condition: Hyperimmunoglobulin D with periodic fever. Review status: no classification provided. Collection method: not provided. Allele origin: unknown. Not counted in ClinVar's aggregate classification.
Comment: also involved in OMIM 25117

Literature cited by the submitters: PubMed 16835861 (cited by Labcorp Genetics (formerly Invitae), Labcorp); PubMed 17105862 (cited by Labcorp Genetics (formerly Invitae), Labcorp); PubMed 23834120 (cited by Labcorp Genetics (formerly Invitae), Labcorp).